The following is an entry in ClinVar:

NM_001267550.2(TTN):c.8789_8796del (p.Val2930fs)

Gene: TTN (titin; minus strand). Cytogenetic location: 2q31.2.
Variant type: Deletion.
Coding change: c.8789_8796del on transcript NM_001267550.2 (MANE Select); coding-DNA positions 8789 to 8796, 8 bases deleted (TTGTGCAG; older notation c.8789_8796delTTGTGCAG).
Protein change: p.Val2930fs; shifts the reading frame from valine 2930.
Molecular consequence: frameshift variant.
Genome position (GRCh38, 1-based): chr2:178,769,785-178,769,792, CTGCACAA deleted on the plus strand (TTGTGCAG on the coding strand, the reverse complement: TTN is on the minus strand); deleting any 8 consecutive bases within chr2:178,769,785-178,769,794 gives the same sequence; the c. name uses the placement nearest the transcript's 3' end. VCF-style (leftmost placement, unchanged base first): chr2-178769784-CCTGCACAA-C. GRCh37 (hg19) VCF-style: chr2-179634511-CCTGCACAA-C.
Other names: c.8789_8796del, p.Val2930fs (NM_001256850.1, NM_133378.4, NM_133379.5); c.8651_8658del, p.Val2884fs (NM_003319.4, NM_133432.3, NM_133437.4); short protein forms V2884fs, V2930fs.
Identifiers: ClinVar variation 954965 (VCV000954965.10), dbSNP rs1574559518, ClinGen allele CA916720509.

ClinVar aggregate classification (germline): Likely pathogenic (1 of 4 stars; one submission).

Conditions:
Dilated cardiomyopathy 1G (CMD1G). Identifiers: Orphanet 154, MedGen C1858763, MONDO:0011400, OMIM 604145.
Autosomal recessive limb-girdle muscular dystrophy type 2J (LGMDR10). Also called: Limb-girdle muscular dystrophy, type 2J; MUSCULAR DYSTROPHY, LIMB-GIRDLE, AUTOSOMAL RECESSIVE 10. Identifiers: Orphanet 140922, MedGen C1837342, MONDO:0012127, OMIM 608807.

Submission:

Labcorp Genetics (formerly Invitae), Labcorp
Classification: Likely pathogenic for Dilated cardiomyopathy 1G; Autosomal recessive limb-girdle muscular dystrophy type 2J. Last evaluated: 2024-10-18. Review status: criteria provided, single submitter. Criteria: Invitae Variant Classification Sherloc (09022015). Collection method: clinical testing. Allele origin: germline.
Comment: This sequence change creates a premature translational stop signal (p.Val2930Glyfs*26) in the TTN gene. While this is not anticipated to result in nonsense mediated decay, it is expected to create a truncated TTN protein. This variant is not present in population databases (gnomAD no frequency). This variant has not been reported in the literature in individuals affected with TTN-related conditions. ClinVar contains an entry for this variant (Variation ID: 954965). Algorithms developed to predict the effect of sequence changes on RNA splicing suggest that this variant may disrupt the consensus splice site. This variant is located in the I band of TTN (PMID: 25589632). Truncating variants in this region have been reported in individuals affected with autosomal recessive centronuclear myopathy (PMID: 23975875, internal data). Truncating variants in this region have also been identified in individuals affected with autosomal dominant dilated cardiomyopathy and/or cardio-related conditions (PMID: 27869827, 32964742, internal data). In summary, the currently available evidence indicates that the variant is pathogenic, but additional data are needed to prove that conclusively. Therefore, this variant has been classified as Likely Pathogenic.

Literature cited by the submitters: PubMed 25589632; PubMed 23975875; PubMed 27869827; PubMed 32964742.